The following is an entry in ClinVar:

NM_004329.3(BMPR1A):c.1172C>G (p.Thr391Arg)

Gene: BMPR1A (bone morphogenetic protein receptor type 1A; plus strand). Cytogenetic location: 10q23.2.
Variant type: single nucleotide variant.
Coding change: c.1172C>G on transcript NM_004329.3 (MANE Select); coding-DNA position 1172, C replaced by G.
Protein change: p.Thr391Arg; replaces threonine 391 with arginine.
Molecular consequence: missense variant.
Genome position (GRCh38, 1-based): chr10:86,921,525, C>G. VCF-style: chr10-86921525-C-G. GRCh37 (hg19) VCF-style: chr10-88681282-C-G.
Other names: short protein forms T391R.
Identifiers: ClinVar variation 664739 (VCV000664739.13), dbSNP rs1589292560, ClinGen allele CA377461822.
Genomic context (GRCh38, chr10:86,921,525, plus strand): 5'-ATAAACTATTTTATTTTTGGCCCTCAACTTGGACCTTGGCTTTCTTTTGTTTCAGTGACA[C>G]AAATGAAGTTGATGTGCCCTTGAATACCAGGGTGGGCACCAAACGCTACATGGCTCCCGA-3'
Protein context (NP_004320.2, residues 381-401): LGLAVKFNSD[Thr391Arg]NEVDVPLNTR

ClinVar aggregate classification (germline): Uncertain significance. Review status: criteria provided, multiple submitters, no conflicts (2 of 4 stars). 3 submissions from 3 submitters: Uncertain significance (3). Last evaluated 2023-07-21.

Conditions:
Hereditary cancer-predisposing syndrome. Also called: Neoplastic Syndromes, Hereditary; Hereditary neoplastic syndrome; Tumor predisposition; Hereditary Cancer Syndrome. Identifiers: Orphanet 140162, MedGen C0027672, MeSH D009386, MONDO:0015356.
Juvenile polyposis syndrome (JPS). Identifiers: Orphanet 2929, MedGen C0345893, MONDO:0017380, OMIM 174900.

Allele frequency attached by ClinVar (database versions not stated): gnomAD exomes below 0.00001.
gnomAD v4.1: 1 of 1,614,008 alleles (0.000062%); no homozygotes.

Submissions (3):

Color Diagnostics, LLC DBA Color Health
Classification: Uncertain significance for Hereditary cancer-predisposing syndrome. Last evaluated: 2023-07-21. Review status: criteria provided, single submitter. Criteria: ACMG Guidelines, 2015. Collection method: clinical testing. Allele origin: germline.
Comment: This missense variant replaces threonine with arginine at codon 391 of the BMPR1A protein. Computational prediction is inconclusive regarding the impact of this variant on protein structure and function (internally defined REVEL score threshold 0.5 < inconclusive < 0.7, PMID: 27666373). To our knowledge, functional studies have not been reported for this variant. This variant has not been reported in individuals affected with BMPR1A-related disorders in the literature. This variant has not been identified in the general population by the Genome Aggregation Database (gnomAD). The available evidence is insufficient to determine the role of this variant in disease conclusively. Therefore, this variant is classified as a Variant of Uncertain Significance.

Labcorp Genetics (formerly Invitae), Labcorp
Classification: Uncertain significance for Juvenile polyposis syndrome. Last evaluated: 2023-02-08. Review status: criteria provided, single submitter. Criteria: Invitae Variant Classification Sherloc (09022015). Collection method: clinical testing. Allele origin: germline.
Comment: This sequence change replaces threonine, which is neutral and polar, with arginine, which is basic and polar, at codon 391 of the BMPR1A protein (p.Thr391Arg). This variant is not present in population databases (gnomAD no frequency). This variant has not been reported in the literature in individuals affected with BMPR1A-related conditions. ClinVar contains an entry for this variant (Variation ID: 664739). Advanced modeling of protein sequence and biophysical properties (such as structural, functional, and spatial information, amino acid conservation, physicochemical variation, residue mobility, and thermodynamic stability) performed at Invitae indicates that this missense variant is not expected to disrupt BMPR1A protein function. In summary, the available evidence is currently insufficient to determine the role of this variant in disease. Therefore, it has been classified as a Variant of Uncertain Significance.

Ambry Genetics
Classification: Uncertain significance for Hereditary cancer-predisposing syndrome. Last evaluated: 2021-07-16. Review status: criteria provided, single submitter. Criteria: Ambry Variant Classification Scheme 2023. Collection method: clinical testing. Allele origin: germline.
Comment: The p.T391R variant (also known as c.1172C>G), located in coding exon 9 of the BMPR1A gene, results from a C to G substitution at nucleotide position 1172. The threonine at codon 391 is replaced by arginine, an amino acid with similar properties. This amino acid position is highly conserved in available vertebrate species. In addition, this alteration is predicted to be deleterious by in silico analysis. Since supporting evidence is limited at this time, the clinical significance of this alteration remains unclear.